The following is an entry in ClinVar:

NM_000383.4(AIRE):c.1566+5C>T

Gene: AIRE (autoimmune regulator; plus strand). Cytogenetic location: 21q22.3.
Variant type: single nucleotide variant.
Coding change: c.1566+5C>T on transcript NM_000383.4 (MANE Select); 5 bases into the intron after coding-DNA position 1566, C replaced by T.
Molecular consequence: intron variant.
Genome position (GRCh38, 1-based): chr21:44,296,450, C>T. VCF-style: chr21-44296450-C-T. GRCh37 (hg19) VCF-style: chr21-45716333-C-T.
Identifiers: ClinVar variation 2045162 (VCV002045162.3), dbSNP rs199684124, ClinGen allele CA10052181.

ClinVar aggregate classification (germline): Uncertain significance. Review status: criteria provided, multiple submitters, no conflicts (2 of 4 stars). 2 submissions from 2 submitters: Uncertain significance (2). Last evaluated 2024-07-27.

Conditions:
Polyglandular autoimmune syndrome, type 1 (APS1). Also called: Autoimmune polyendocrinopathy syndrome , type I, with or without reversible metaphyseal dysplasia; Autoimmune polyendocrinopathy syndrome, type I; AUTOIMMUNE POLYENDOCRINE SYNDROME, TYPE I, WITH OR WITHOUT REVERSIBLE METAPHYSEAL DYSPLASIA; HYPOADRENOCORTICISM WITH HYPOPARATHYROIDISM AND SUPERFICIAL MONILIASIS; PGA I; Whitaker syndrome. Identifiers: Orphanet 3453, MedGen C0085859, MONDO:0009411, OMIM 240300.

Allele frequency attached by ClinVar (database versions not stated): gnomAD 0.00002; gnomAD exomes 0.00002; ExAC 0.00003; TOPMed 0.00003; ESP Exome Variant Server 0.00008; 1000 Genomes Project 30x 0.00016; 1000 Genomes Project 0.00020.
gnomAD v4.1: 30 of 1,611,806 alleles (0.0019%); highest among the groups gnomAD compares: East Asian, 0.0089%; no homozygotes.

Submissions (2):

Women's Health and Genetics/Laboratory Corporation of America, LabCorp
Classification: Uncertain significance. Last evaluated: 2024-07-27. Review status: criteria provided, single submitter. Criteria: LabCorp Variant Classification Summary - May 2015. Collection method: clinical testing. Allele origin: germline.

Labcorp Genetics (formerly Invitae), Labcorp
Classification: Uncertain significance for Polyglandular autoimmune syndrome, type 1. Last evaluated: 2024-04-25. Review status: criteria provided, single submitter. Criteria: Invitae Variant Classification Sherloc (09022015). Collection method: clinical testing. Allele origin: germline.
Comment: This sequence change falls in intron 13 of the AIRE gene. It does not directly change the encoded amino acid sequence of the AIRE protein. It affects a nucleotide within the consensus splice site. This variant is present in population databases (rs199684124, gnomAD 0.02%). This variant has not been reported in the literature in individuals affected with AIRE-related conditions. ClinVar contains an entry for this variant (Variation ID: 2045162). Variants that disrupt the consensus splice site are a relatively common cause of aberrant splicing (PMID: 17576681, 9536098). Algorithms developed to predict the effect of sequence changes on RNA splicing suggest that this variant is not likely to affect RNA splicing. In summary, the available evidence is currently insufficient to determine the role of this variant in disease. Therefore, it has been classified as a Variant of Uncertain Significance.

Literature cited by the submitters: PubMed 17576681 (cited by Labcorp Genetics (formerly Invitae), Labcorp); PubMed 9536098 (cited by Labcorp Genetics (formerly Invitae), Labcorp).